The following is an entry in ClinVar:

ClinVar aggregate classification (germline): Uncertain significance. Review status: criteria provided, multiple submitters, no conflicts (2 of 4 stars). 2 submissions from 2 submitters: Uncertain significance (2). Last evaluated 2019-12-17.

gnomAD v4.1: 10 of 1,596,856 alleles (0.00063%); highest among the groups gnomAD compares: Non-Finnish European, 0.00085%; no homozygotes.

Submissions (2):

GeneDx
Classification: Uncertain significance. Last evaluated: 2019-12-17. Review status: criteria provided, single submitter. Criteria: GeneDx Variant Classification Process June 2021. Collection method: clinical testing. Allele origin: germline. Affected: yes.
Comment: Not observed at a significant frequency in large population cohorts (Lek et al., 2016); Missense variant in a gene in which most reported pathogenic variants are truncating/loss-of-function; Has not been previously published as pathogenic or benign to our knowledge

Eurofins Ntd Llc (ga)
Classification: Uncertain significance. Last evaluated: 2017-05-03. Review status: criteria provided, single submitter. Criteria: EGL Classification Definitions 2015. Collection method: clinical testing. Allele origin: germline. Observed: 1 variant allele, 1 heterozygote.

NM_001267550.2(TTN):c.14965C>T (p.Pro4989Ser)

Gene: TTN (titin; minus strand). Cytogenetic location: 2q31.2.
Variant type: single nucleotide variant.
Coding change: c.14965C>T on transcript NM_001267550.2 (MANE Select); coding-DNA position 14965, C replaced by T.
Protein change: p.Pro4989Ser; replaces proline 4989 with serine.
Molecular consequence: missense variant. On other transcripts: intron variant (3).
Genome position (GRCh38, 1-based): chr2:178,734,959, G>A on the plus strand (C>T on the coding strand, the complement: TTN is on the minus strand). VCF-style: chr2-178734959-G-A. GRCh37 (hg19) VCF-style: chr2-179599686-G-A.
Other names: c.14014C>T, p.Pro4672Ser (NM_001256850.1); c.11233C>T, p.Pro3745Ser (NM_133378.4); c.13282+3123C>T (NM_003319.4); c.13858+3123C>T (NM_133437.4); c.13657+3123C>T (NM_133432.3); short protein forms P3745S, P4989S, P4672S.
Identifiers: ClinVar variation 501807 (VCV000501807.7), dbSNP rs80003323, ClinGen allele CA349595813.